The following is an entry in ClinVar:

NM_000494.4(COL17A1):c.3400A>G (p.Ile1134Val)

Gene: COL17A1 (collagen type XVII alpha 1 chain; minus strand). Cytogenetic location: 10q25.1.
Variant type: single nucleotide variant.
Coding change: c.3400A>G on transcript NM_000494.4 (MANE Select); coding-DNA position 3400, A replaced by G.
Protein change: p.Ile1134Val; replaces isoleucine 1134 with valine.
Molecular consequence: missense variant.
Genome position (GRCh38, 1-based): chr10:104,036,510, T>C on the plus strand (A>G on the coding strand, the complement: COL17A1 is on the minus strand). VCF-style: chr10-104036510-T-C. GRCh37 (hg19) VCF-style: chr10-105796268-T-C.
Other names: short protein forms I1134V.
Identifiers: ClinVar variation 878181 (VCV000878181.6), dbSNP rs1272442439, ClinGen allele CA378066654.

ClinVar aggregate classification (germline): Uncertain significance. Review status: criteria provided, multiple submitters, no conflicts (2 of 4 stars). 2 submissions from 2 submitters: Uncertain significance (2). Last evaluated 2024-04-06.

Conditions:
Junctional epidermolysis bullosa, non-Herlitz type. Also called: EPIDERMOLYSIS BULLOSA JUNCTIONALIS, DISENTIS TYPE; EPIDERMOLYSIS BULLOSA JUNCTIONALIS, NON-HERLITZ TYPE; EPIDERMOLYSIS BULLOSA JUNCTIONALIS, PROGRESSIVE; EPIDERMOLYSIS BULLOSA JUNCTIONALIS, SEVERE NONLETHAL; Epidermolysis bullosa, junctional, non-herlitz type, somatic mosaic revertant; COL17A1-Related Junctional Epidermolysis Bullosa. Identifiers: Orphanet 251393, Orphanet 79402, Orphanet 79405, Orphanet 89840, MedGen C0268374, MONDO:0009180, OMIM 226650.

Allele frequency attached by ClinVar (database versions not stated): gnomAD exomes below 0.00001; TOPMed 0.00001.
gnomAD v4.1: 2 of 1,613,896 alleles (0.00012%); highest among the groups gnomAD compares: African/African-American, 0.0013%; no homozygotes.

Submissions (2):

Labcorp Genetics (formerly Invitae), Labcorp
Classification: Uncertain significance. Last evaluated: 2024-04-06. Review status: criteria provided, single submitter. Criteria: Invitae Variant Classification Sherloc (09022015). Collection method: clinical testing. Allele origin: germline.
Comment: This sequence change replaces isoleucine, which is neutral and non-polar, with valine, which is neutral and non-polar, at codon 1134 of the COL17A1 protein (p.Ile1134Val). This variant is not present in population databases (gnomAD no frequency). This variant has not been reported in the literature in individuals affected with COL17A1-related conditions. ClinVar contains an entry for this variant (Variation ID: 878181). Advanced modeling of protein sequence and biophysical properties (such as structural, functional, and spatial information, amino acid conservation, physicochemical variation, residue mobility, and thermodynamic stability) performed at Invitae indicates that this missense variant is not expected to disrupt COL17A1 protein function with a negative predictive value of 80%. In summary, the available evidence is currently insufficient to determine the role of this variant in disease. Therefore, it has been classified as a Variant of Uncertain Significance.

Illumina Laboratory Services, Illumina
Classification: Uncertain significance for Junctional epidermolysis bullosa, non-Herlitz type. Last evaluated: 2018-01-13. Review status: criteria provided, single submitter. Criteria: ICSL Variant Classification Criteria 13 December 2019. Collection method: clinical testing. Allele origin: germline.